The following is an entry in ClinVar:

ClinVar aggregate classification (germline): Likely pathogenic. Review status: criteria provided, single submitter (1 of 4 stars). 2 submissions from 2 submitters: Likely pathogenic (1). 1 of the submissions does not count toward it. Last evaluated 2025-04-04.

Conditions:
TCF12-related craniosynostosis. Also called: Craniosynostosis 3. Identifiers: Orphanet 35098, Orphanet 35099, Orphanet 672979, MedGen C3715051, MONDO:0014128, OMIM 615314.

Submissions (2):

GeneDx
Classification: Likely pathogenic. Last evaluated: 2025-04-04. Review status: criteria provided, single submitter. Criteria: GeneDx Variant Classification Process June 2021. Collection method: clinical testing. Allele origin: germline.
Comment: Published mRNA studies suggest a damaging effect with the skipping of exon 12 (PMID: 23354436); In silico analysis supports a deleterious effect on splicing; Not observed at significant frequency in large population cohorts (gnomAD); This variant is associated with the following publications: (PMID: 23354436, 25985138)

OMIM
Classification: Pathogenic for CRANIOSYNOSTOSIS 3. Last evaluated: 2013-03-01. Review status: no assertion criteria provided. Collection method: literature only. Allele origin: germline. Not counted in ClinVar's aggregate classification.

Literature cited by the submitters: PubMed 23354436 (cited by OMIM).

NM_207037.2(TCF12):c.1035+3G>C

Gene: TCF12 (transcription factor 12; plus strand). Cytogenetic location: 15q21.3.
Variant type: single nucleotide variant.
Coding change: c.1035+3G>C on transcript NM_207037.2 (MANE Select); 3 bases into the intron after coding-DNA position 1035, G replaced by C.
Molecular consequence: intron variant.
Genome position (GRCh38, 1-based): chr15:57,234,110, G>C. VCF-style: chr15-57234110-G-C. GRCh37 (hg19) VCF-style: chr15-57526308-G-C.
Other names: IVS12, G-C, +1; c.1035+3G>C (NM_001322151.2, NM_001322159.3, NM_001322157.3 and 7 more transcripts); c.861+3G>C (NM_001322156.2, NM_001322158.2); c.378+3G>C (NM_001322154.2); c.1071+3G>C (NM_001322164.2); c.525+3G>C (NM_001306219.3, NM_207040.2); c.327+3G>C (NM_001306220.3).
Identifiers: ClinVar variation 55916 (VCV000055916.5), dbSNP rs886037640, ClinGen allele CA10575588.